The following is an entry in ClinVar:

Conditions:
Breast-ovarian cancer, familial, susceptibility to, 1 (BROVCA1). Also called: BRCA1 Hereditary Breast and Ovarian Cancer; OVARIAN CANCER, SUSCEPTIBILITY TO. Identifiers: Orphanet 145, MedGen C2676676, MONDO:0011450, OMIM 604370. Disease mechanism: loss of function.

Submission:

Brotman Baty Institute, University of Washington
No classification provided (evidence only). Condition: Breast-ovarian cancer, familial 1. Review status: no classification provided. Collection method: in vitro. Allele origin: not applicable. Functional consequence: functionally_normal.
ClinVar note: "not provided" was previously submitted as the classification for the variant. However, the classification appeared to be based only on an observation of functional data so it was converted to no classification on 2025-07-30.

NM_007294.4(BRCA1):c.5342A>C (p.Glu1781Ala)

Gene: BRCA1 (BRCA1 DNA repair associated; minus strand). Cytogenetic location: 17q21.31.
Variant type: single nucleotide variant.
Coding change: c.5342A>C on transcript NM_007294.4 (MANE Select); coding-DNA position 5342, A replaced by C.
Protein change: p.Glu1781Ala; replaces glutamic acid 1781 with alanine.
Molecular consequence: missense variant. On other transcripts: non-coding transcript variant (1), intron variant (1).
Genome position (GRCh38, 1-based): chr17:43,049,185, T>G on the plus strand (A>C on the coding strand, the complement: BRCA1 is on the minus strand). VCF-style: chr17-43049185-T-G. GRCh37 (hg19) VCF-style: chr17-41201202-T-G.
Other names: c.5129A>C, p.Glu1710Ala (NM_001407571.1, NM_001407894.1, NM_001407895.1 and 12 more transcripts); c.5408A>C, p.Glu1803Ala (NM_001407581.1, NM_001407582.1); c.5405A>C, p.Glu1802Ala (NM_001407583.1, NM_001407585.1, NM_001407587.1 and 1 more transcripts); c.5402A>C, p.Glu1801Ala (NM_001407590.1, NM_001407591.1); c.5342A>C, p.Glu1781Ala (NM_001407593.1, NM_001407594.1, NM_001407596.1 and 5 more transcripts); c.5339A>C, p.Glu1780Ala (NM_001407616.1, NM_001407617.1, NM_001407618.1 and 14 more transcripts); c.5336A>C, p.Glu1779Ala (NM_001407635.1, NM_001407636.1, NM_001407637.1 and 13 more transcripts); c.5333A>C, p.Glu1778Ala (NM_001407644.1, NM_001407645.1); and 73 more; short protein forms E1734A, E1781A, E1802A, E677A, E1652A, E1653A, E1709A, E1714A.
Identifiers: ClinVar variation 868024 (VCV000868024.3), dbSNP rs2051094692, ClinGen allele CA10590781.